The following is an entry in ClinVar:

ClinVar aggregate classification (germline): Uncertain significance (1 of 4 stars; one submission).

Conditions:
Developmental and epileptic encephalopathy, 23 (DEE23). Also called: Epileptic encephalopathy, early infantile, 23. Identifiers: Orphanet 411986, MedGen C4014492, MONDO:0014371, OMIM 615859.

Allele frequency attached by ClinVar (database versions not stated): TOPMed below 0.00001.

Submission:

Labcorp Genetics (formerly Invitae), Labcorp
Classification: Uncertain significance for Developmental and epileptic encephalopathy, 23. Last evaluated: 2024-10-28. Review status: criteria provided, single submitter. Criteria: Invitae Variant Classification Sherloc (09022015). Collection method: clinical testing. Allele origin: germline.
Comment: This sequence change replaces cysteine, which is neutral and slightly polar, with arginine, which is basic and polar, at codon 1552 of the DOCK7 protein (p.Cys1552Arg). This variant is not present in population databases (gnomAD no frequency). This missense change has been observed in individual(s) with clinical features of DOCK7-related conditions (internal data). In at least one individual the data is consistent with being in trans (on the opposite chromosome) from a pathogenic variant. ClinVar contains an entry for this variant (Variation ID: 848684). Invitae Evidence Modeling of protein sequence and biophysical properties (such as structural, functional, and spatial information, amino acid conservation, physicochemical variation, residue mobility, and thermodynamic stability) has been performed for this missense variant. However, the output from this modeling did not meet the statistical confidence thresholds required to predict the impact of this variant on DOCK7 protein function. In summary, the available evidence is currently insufficient to determine the role of this variant in disease. Therefore, it has been classified as a Variant of Uncertain Significance.

NM_001367561.1(DOCK7):c.4681T>C (p.Cys1561Arg)

Gene: DOCK7 (dedicator of cytokinesis 7; minus strand). Cytogenetic location: 1p31.3.
Variant type: single nucleotide variant.
Coding change: c.4681T>C on transcript NM_001367561.1 (MANE Select); coding-DNA position 4681, T replaced by C.
Protein change: p.Cys1561Arg; replaces cysteine 1561 with arginine.
Molecular consequence: missense variant.
Genome position (GRCh38, 1-based): chr1:62,504,713, A>G on the plus strand (T>C on the coding strand, the complement: DOCK7 is on the minus strand). VCF-style: chr1-62504713-A-G. GRCh37 (hg19) VCF-style: chr1-62970384-A-G.
Other names: c.4654T>C, p.Cys1552Arg (NM_001271999.2, NM_001330614.2); c.4561T>C, p.Cys1521Arg (NM_001272000.2, NM_001272001.2); c.4588T>C, p.Cys1530Arg (NM_033407.4); short protein forms C1552R, C1561R, C1521R, C1530R.
Identifiers: ClinVar variation 848684 (VCV000848684.10), dbSNP rs1297682671, ClinGen allele CA340617794.